The following is an entry in ClinVar:

NM_005393.3(PLXNB3):c.294C>T (p.Cys98=)

Gene: PLXNB3 (plexin B3; plus strand). Cytogenetic location: Xq28.
Variant type: single nucleotide variant.
Coding change: c.294C>T on transcript NM_005393.3 (MANE Select); coding-DNA position 294, C replaced by T.
Protein change: p.Cys98=; no amino-acid change (cysteine 98 retained).
Molecular consequence: synonymous variant.
Genome position (GRCh38, 1-based): chrX:153,767,121, C>T. VCF-style: chrX-153767121-C-T. GRCh37 (hg19) VCF-style: chrX-153032576-C-T.
Other names: c.363C>T, p.Cys121= (NM_001163257.2).
Identifiers: ClinVar variation 2661717 (VCV002661717.24), dbSNP rs528422651, ClinGen allele CA10550529.

ClinVar aggregate classification (germline): Likely benign (1 of 4 stars; one submission).

Allele frequency attached by ClinVar (database versions not stated): TOPMed 0.00002; gnomAD exomes 0.00003; gnomAD 0.00004; ExAC 0.00007.
gnomAD v4.1: 35 of 1,208,210 alleles (0.0029%); highest among the groups gnomAD compares: Non-Finnish European, 0.003%; no homozygotes.

Submission:

CeGaT Center for Human Genetics Tuebingen
Classification: Likely benign. Last evaluated: 2022-10-01. Review status: criteria provided, single submitter. Criteria: CeGaT Center For Human Genetics Tuebingen Variant Classification Criteria Version 2. Collection method: clinical testing. Allele origin: germline. Affected: yes. Observed: 1 variant allele.
Comment: PLXNB3: BP4, BP7